The following is an entry in ClinVar:

ClinVar aggregate classification (germline): Conflicting classifications of pathogenicity. Review status: criteria provided, conflicting classifications (1 of 4 stars). 7 submissions from 7 submitters: Uncertain significance (2); Benign (1); Likely benign (4). Last evaluated 2026-09-01.

Conditions:
Complement component C1s deficiency. Also called: C1s deficiency; Complement 1s deficiency. Identifiers: MedGen C3151078, MONDO:0013419, OMIM 613783.
Ehlers-Danlos syndrome, periodontal type 2. Identifiers: MedGen C4310681, MONDO:0014954, OMIM 617174.

Allele frequency attached by ClinVar (database versions not stated): 1000 Genomes Project 30x 0.00297; 1000 Genomes Project 0.00300; ExAC 0.00342; gnomAD 0.00344 and 0.00349; gnomAD exomes 0.00353 and 0.00538; TOPMed 0.00359; ESP Exome Variant Server 0.00400.
gnomAD v4.1: 8,367 of 1,613,912 alleles (0.52%); highest among the groups gnomAD compares: Non-Finnish European, 0.63%; 30 homozygotes.

Submissions (7):

CeGaT Center for Human Genetics Tuebingen
Classification: Benign. Last evaluated: 2026-09-01. Review status: criteria provided, single submitter. Criteria: CeGaT Center For Human Genetics Tuebingen Variant Classification Criteria Version 2. Collection method: clinical testing. Allele origin: germline. Affected: yes. Observed: 23 variant alleles.
Comment: C1S: BS1, BS2

Women's Health and Genetics/Laboratory Corporation of America, LabCorp
Classification: Likely benign. Last evaluated: 2026-04-01. Review status: criteria provided, single submitter. Criteria: LabCorp Variant Classification Summary - May 2015. Collection method: clinical testing. Allele origin: germline.
Comment: Variant summary: C1S c.943G>A (p.Asp315Asn) results in a conservative amino acid change located in the Sushi/CCP/SCR domain profile (IPR000436) of the encoded protein sequence. Algorithms developed to predict the effect of missense changes on protein structure and function are either unavailable or do not agree on the potential impact of this missense change. The variant allele was found at a frequency of 0.0035 in 251488 control chromosomes, predominantly at a frequency of 0.0055 within the Non-Finnish European subpopulation in the gnomAD database, including 2 homozygotes. The observed variant frequency within Non-Finnish European control individuals in the gnomAD database exceeds the estimated maximal expected allele frequency for disease-causing variants in C1S. c.943G>A has been reported in the literature in individuals with clinical features of connective tissue disorders, complement disorders, atypical hemolytic uremic syndrome, and primary immunodeficiency, however, in some cases these individuals also carried variants in multiple other related genes. These report(s) do not provide unequivocal conclusions about association of the variant with Complement component C1s deficiency. To our knowledge, no experimental evidence demonstrating an impact on protein function has been reported. The following publications have been ascertained in the context of this evaluation (PMID: 24029428, 31681265, 34899688, 35918752, 39380326). ClinVar contains an entry for this variant (Variation ID: 625899). Based on the evidence outlined above, the variant was classified as likely benign.

Labcorp Genetics (formerly Invitae), Labcorp
Classification: Likely benign. Last evaluated: 2026-02-01. Review status: criteria provided, single submitter. Criteria: Invitae Variant Classification Sherloc (09022015). Collection method: clinical testing. Allele origin: germline.

Mayo Clinic Laboratories, Mayo Clinic
Classification: Likely benign. Last evaluated: 2025-03-20. Review status: criteria provided, single submitter. Criteria: ACMG Guidelines, 2015. Collection method: clinical testing. Allele origin: germline. Observed: 7 variant alleles.
Comment: BS1, BS2, PP3

Blueprint Genetics
Classification: Likely benign. Last evaluated: 2024-11-25. Review status: criteria provided, single submitter. Criteria: ACMG Guidelines, 2015. Collection method: clinical testing. Allele origin: germline.

Mendelics
Classification: Uncertain significance for Complement component C1s deficiency. Last evaluated: 2019-05-28. Review status: criteria provided, single submitter. Criteria: Mendelics Assertion Criteria 2017. Collection method: clinical testing. Allele origin: unknown.

Center for Genomics, Ann and Robert H. Lurie Children's Hospital of Chicago
Classification: Uncertain significance for Complement component C1s deficiency; Ehlers-Danlos syndrome, periodontal type 2. Review status: criteria provided, single submitter. Criteria: ACMG Guidelines, 2015. Collection method: clinical testing. Allele origin: germline.
Comment: C1S NM_001734.4 exon 8 p.Asp315Asn (c.943G>A): This variant has been reported in the literature as heterozygous in 2 individuals with atypical Hemolytic Uremic Syndrome (aHUS) (Bu 2014 PMID:24029428). However, this variant is present in 0.5% (676/126732) of European alleles, including 2 homozygotes, in the Genome Aggregation Database. Evolutionary conservation and computational predictive tools for this variant are unclear. In summary, data on this variant is insufficient for disease classification. Therefore, the clinical significance of this variant is uncertain.

Literature cited by the submitters: PubMed 31681265 (cited by Women's Health and Genetics/Laboratory Corporation of America, LabCorp); PubMed 24029428 (cited by Women's Health and Genetics/Laboratory Corporation of America, LabCorp and Mayo Clinic Laboratories, Mayo Clinic); PubMed 35918752 (cited by Women's Health and Genetics/Laboratory Corporation of America, LabCorp); PubMed 34899688 (cited by Women's Health and Genetics/Laboratory Corporation of America, LabCorp); PubMed 39380326 (cited by Women's Health and Genetics/Laboratory Corporation of America, LabCorp); PubMed 33037003 (cited by Mayo Clinic Laboratories, Mayo Clinic); PubMed 35532072 (cited by Mayo Clinic Laboratories, Mayo Clinic); PubMed 38096369 (cited by Mayo Clinic Laboratories, Mayo Clinic).

NM_001734.5(C1S):c.943G>A (p.Asp315Asn)

Gene: C1S (complement C1s; plus strand). Cytogenetic location: 12p13.31.
Variant type: single nucleotide variant.
Coding change: c.943G>A on transcript NM_001734.5 (MANE Select); coding-DNA position 943, G replaced by A.
Protein change: p.Asp315Asn; replaces aspartic acid 315 with asparagine.
Molecular consequence: missense variant.
Genome position (GRCh38, 1-based): chr12:7,066,589, G>A. VCF-style: chr12-7066589-G-A. GRCh37 (hg19) VCF-style: chr12-7173893-G-A.
Other names: p.Asp315Asn; c.442G>A, p.Asp148Asn (NM_001346850.2); c.943G>A, p.Asp315Asn (NM_201442.4); short protein forms D315N, D148N.
Identifiers: ClinVar variation 625899 (VCV000625899.59), dbSNP rs117907409, ClinGen allele CA6423622.